The following is an entry in ClinVar:

ClinVar aggregate classification (germline): Uncertain significance (0 of 4 stars; one submission).

gnomAD v4.1: 3 of 1,614,012 alleles (0.00019%); highest among the groups gnomAD compares: South Asian, 0.0011%; no homozygotes.

Submission:

Department of Pathology and Laboratory Medicine, Sinai Health System
Classification: Uncertain significance. Review status: no assertion criteria provided. Collection method: clinical testing. Allele origin: unknown. Affected: yes. Study: The Canadian Open Genetics Repository (COGR).
Comment: The SETBP1 p.Lys1413Asn variant was not identified in the literature nor was it identified in dbSNP, ClinVar, Cosmic, LOVD 3.0, or in the following control databases: the 1000 Genomes Project, the NHLBI GO Exome Sequencing Project, the Exome Aggregation Consortium (August 8th 2016), or the Genome Aggregation Database (March 6, 2019, v2.1.1). The p.Lys1413 residue is conserved in mammals and computational analyses (PolyPhen-2, SIFT, AlignGVGD, BLOSUM, MutationTaster) provide inconsistent predictions regarding the impact to the protein; this information is not very predictive of pathogenicity. The variant occurs outside of the splicing consensus sequence and in silico or computational prediction software programs (SpliceSiteFinder, MaxEntScan, NNSPLICE, GeneSplicer) do not predict a difference in splicing. In summary, based on the above information the clinical significance of this variant cannot be determined with certainty at this time. This variant is classified as a variant of uncertain significance.

NM_015559.3(SETBP1):c.4239G>C (p.Lys1413Asn)

Gene: SETBP1 (SET binding protein 1; plus strand). Cytogenetic location: 18q12.3.
Variant type: single nucleotide variant.
Coding change: c.4239G>C on transcript NM_015559.3 (MANE Select); coding-DNA position 4239, G replaced by C.
Protein change: p.Lys1413Asn; replaces lysine 1413 with asparagine.
Molecular consequence: missense variant.
Genome position (GRCh38, 1-based): chr18:45,063,146, G>C. VCF-style: chr18-45063146-G-C. GRCh37 (hg19) VCF-style: chr18-42643111-G-C.
Other names: c.4239G>C, p.Lys1413Asn (NM_001379141.1, NM_001379142.1); short protein forms K1413N.
Identifiers: ClinVar variation 1050727 (VCV001050727.1), dbSNP rs200002988, ClinGen allele CA402482953.
Genomic context (GRCh38, chr18:45,063,146, plus strand): 5'-CTCCCTGAAGAAGAGGTTCAAGCGGCGGGAGATCGAAGCCATCCAGTGCGAAGTGCGGAA[G>C]ATGTGCAACTACACCAAGATCCTGTCCACCAAGAAGAACCTGGACCACGTGAACAAGATC-3'
Protein context (NP_056374.2, residues 1403-1423): EIEAIQCEVR[Lys1413Asn]MCNYTKILST